The following is an entry in ClinVar:

NM_017617.5(NOTCH1):c.3900C>G (p.Thr1300=)

Gene: NOTCH1 (notch receptor 1; minus strand). Cytogenetic location: 9q34.3.
Variant type: single nucleotide variant.
Coding change: c.3900C>G on transcript NM_017617.5 (MANE Select); coding-DNA position 3900, C replaced by G.
Protein change: p.Thr1300=; no amino-acid change (threonine 1300 retained).
Molecular consequence: synonymous variant.
Genome position (GRCh38, 1-based): chr9:136,506,717, G>C on the plus strand (C>G on the coding strand, the complement: NOTCH1 is on the minus strand). VCF-style: chr9-136506717-G-C. GRCh37 (hg19) VCF-style: chr9-139401169-G-C.
Identifiers: ClinVar variation 2184524 (VCV002184524.5), dbSNP rs201791826, ClinGen allele CA467833082.

ClinVar aggregate classification (germline): Uncertain significance. Review status: criteria provided, multiple submitters, no conflicts (2 of 4 stars). 2 submissions from 2 submitters: Uncertain significance (2). Last evaluated 2024-09-12.

Conditions:
Adams-Oliver syndrome 5 (AOS5). Identifiers: Orphanet 974, MedGen C4014970, MONDO:0014459, OMIM 616028.

gnomAD v4.1: 1 of 1,598,394 alleles (0.000063%); highest among the groups gnomAD compares: Admixed American, 0.0017%; no homozygotes.

Submissions (2):

ARUP Laboratories, Molecular Genetics and Genomics, ARUP Laboratories
Classification: Uncertain significance. Last evaluated: 2024-09-12. Review status: criteria provided, single submitter. Criteria: ARUP Molecular Germline Variant Investigation Process 2024. Collection method: clinical testing. Allele origin: germline.
Comment: The NOTCH1 c.3900C>G; p.Thr1300Thr variant (rs201791826), to our knowledge, is not reported in the medical literature but is reported in ClinVar (Variation ID: 2184524). This variant is only observed on one allele in the Genome Aggregation Database (v2.1.1), indicating it is not a common polymorphism. This is a synonymous variant and computational analyses (Alamut Visual Plus v.1.5.1) predict that this variant may impact splicing by weakening the nearby canonical donor splice site. Due to limited information, the clinical significance of this variant is uncertain at this time.

Labcorp Genetics (formerly Invitae), Labcorp
Classification: Uncertain significance for Adams-Oliver syndrome 5. Last evaluated: 2024-07-09. Review status: criteria provided, single submitter. Criteria: Invitae Variant Classification Sherloc (09022015). Collection method: clinical testing. Allele origin: germline.
Comment: This sequence change affects codon 1300 of the NOTCH1 mRNA. It is a 'silent' change, meaning that it does not change the encoded amino acid sequence of the NOTCH1 protein. It affects a nucleotide within the consensus splice site. This variant is present in population databases (no rsID available, gnomAD 0.003%). This variant has not been reported in the literature in individuals affected with NOTCH1-related conditions. ClinVar contains an entry for this variant (Variation ID: 2184524). Algorithms developed to predict the effect of sequence changes on RNA splicing suggest that this variant is not likely to affect RNA splicing. In summary, the available evidence is currently insufficient to determine the role of this variant in disease. Therefore, it has been classified as a Variant of Uncertain Significance.